The following is an entry in ClinVar:

NM_000384.3(APOB):c.12005C>T (p.Ala4002Val)

Gene: APOB (apolipoprotein B; minus strand). Cytogenetic location: 2p24.1.
Variant type: single nucleotide variant.
Coding change: c.12005C>T on transcript NM_000384.3 (MANE Select); coding-DNA position 12005, C replaced by T.
Protein change: p.Ala4002Val; replaces alanine 4002 with valine.
Molecular consequence: missense variant.
Genome position (GRCh38, 1-based): chr2:21,004,351, G>A on the plus strand (C>T on the coding strand, the complement: APOB is on the minus strand). VCF-style: chr2-21004351-G-A. GRCh37 (hg19) VCF-style: chr2-21227223-G-A.
Other names: short protein forms A4002V.
Identifiers: ClinVar variation 898076 (VCV000898076.17), dbSNP rs369364335, ClinGen allele CA048589.

ClinVar aggregate classification (germline): Conflicting classifications of pathogenicity. Review status: criteria provided, conflicting classifications (1 of 4 stars). 6 submissions from 5 submitters: Uncertain significance (5); Likely benign (1). Last evaluated 2025-09-17.

Conditions:
Cardiovascular phenotype. Identifiers: MedGen CN230736.
Familial hypobetalipoproteinemia 1. Also called: APOB-Related Familial Hypobetalipoproteinemia; Hypobetalipoproteinemia, normotriglyceridemic; Acanthocytosis with hypobetalipoproteinemia. Identifiers: MedGen C4551990, MONDO:0014252, OMIM 615558.
Hypercholesterolemia, autosomal dominant, type B (FHCL2). Also called: Hyperlipoproteinemia Type IIb; APOLIPOPROTEIN B-100, FAMILIAL DEFECTIVE; APOLIPOPROTEIN B-100, FAMILIAL LIGAND-DEFECTIVE; HYPERCHOLESTEROLEMIA, FAMILIAL, DUE TO LIGAND-DEFECTIVE APOLIPOPROTEIN B; APOB-Related Familial Hypercholesterolemia, Autosomal Dominant; Familial Hypercholesterolemia Type B. Identifiers: MedGen C1704417, MONDO:0007751, OMIM 144010.

Allele frequency attached by ClinVar (database versions not stated): ExAC 0.00002; ESP Exome Variant Server 0.00015.

Submissions (6):

Labcorp Genetics (formerly Invitae), Labcorp
Classification: Likely benign for Familial hypobetalipoproteinemia 1; Hypercholesterolemia, autosomal dominant, type B. Last evaluated: 2025-09-17. Review status: criteria provided, single submitter. Criteria: Invitae Variant Classification Sherloc (09022015). Collection method: clinical testing. Allele origin: germline.

GeneDx
Classification: Uncertain significance. Last evaluated: 2025-02-28. Review status: criteria provided, single submitter. Criteria: GeneDx Variant Classification Process June 2021. Collection method: clinical testing. Allele origin: germline. Affected: yes.
Comment: Has not been previously published as pathogenic or benign to our knowledge; Not observed at significant frequency in large population cohorts (gnomAD); In silico analysis supports that this missense variant has a deleterious effect on protein structure/function; Also known as p.(A3975V)

Ambry Genetics
Classification: Uncertain significance for Cardiovascular phenotype. Last evaluated: 2023-09-06. Review status: criteria provided, single submitter. Criteria: Ambry Variant Classification Scheme 2023. Collection method: clinical testing. Allele origin: germline.
Comment: The p.A4002V variant (also known as c.12005C>T), located in coding exon 28 of the APOB gene, results from a C to T substitution at nucleotide position 12005. The alanine at codon 4002 is replaced by valine, an amino acid with similar properties. This alteration has been reported in a familial hypercholesterolemia (FH) cohort (Meshkov A et al. Genes (Basel), 2021 Jan;12:). This amino acid position is not well conserved in available vertebrate species. In addition, this alteration is predicted to be tolerated by in silico analysis. Since supporting evidence is limited at this time, the clinical significance of this alteration remains unclear.

Fulgent Genetics
Classification: Uncertain significance for Hypercholesterolemia, autosomal dominant, type B; Familial hypobetalipoproteinemia 1. Last evaluated: 2022-05-12. Review status: criteria provided, single submitter. Criteria: ACMG Guidelines, 2015. Collection method: clinical testing. Allele origin: unknown.

Illumina Laboratory Services, Illumina
Classification: Uncertain significance for Familial hypobetalipoproteinemia 1. Last evaluated: 2018-01-13. Review status: criteria provided, single submitter. Criteria: ICSL Variant Classification Criteria 13 December 2019. Collection method: clinical testing. Allele origin: germline.

Illumina Laboratory Services, Illumina
Classification: Uncertain significance for Hypercholesterolemia, autosomal dominant, type B. Last evaluated: 2018-01-13. Review status: criteria provided, single submitter. Criteria: ICSL Variant Classification Criteria 13 December 2019. Collection method: clinical testing. Allele origin: germline.

Literature cited by the submitters: PubMed 33418990 (cited by Ambry Genetics).